The following is an entry in ClinVar:

NM_000222.3(KIT):c.851A>G (p.Asp284Gly)

Gene: KIT (KIT proto-oncogene, receptor tyrosine kinase; plus strand). Cytogenetic location: 4q12.
Variant type: single nucleotide variant.
Coding change: c.851A>G on transcript NM_000222.3 (MANE Select); coding-DNA position 851, A replaced by G.
Protein change: p.Asp284Gly; replaces aspartic acid 284 with glycine.
Molecular consequence: missense variant.
Genome position (GRCh38, 1-based): chr4:54,703,818, A>G. VCF-style: chr4-54703818-A-G. GRCh37 (hg19) VCF-style: chr4-55569984-A-G.
Other names: c.851A>G, p.Asp284Gly (NM_001093772.2, NM_001385285.1, NM_001385286.1); c.854A>G, p.Asp285Gly (NM_001385284.1, NM_001385288.1, NM_001385290.1 and 1 more transcripts); short protein forms D284G, D285G.
Identifiers: ClinVar variation 3668587 (VCV003668587.2).
Genomic context (GRCh38, chr4:54,703,818, plus strand): 5'-ACGGTGACTTCAATTATGAACGTCAGGCAACGTTGACTATCAGTTCAGCGAGAGTTAATG[A>G]TTCTGGAGTGTTCATGTGTTATGCCAATAATACTTTTGGATCAGCAAATGTCACAACAAC-3'
Protein context (NP_000213.1, residues 274-294): TLTISSARVN[Asp284Gly]SGVFMCYANN

ClinVar aggregate classification (germline): Uncertain significance (1 of 4 stars; one submission).

Conditions:
Gastrointestinal stromal tumor. Also called: Gastrointestinal stromal tumor, somatic; Gastrointestinal stroma tumor. Identifiers: Orphanet 44890, MedGen C0238198, MeSH D046152, MONDO:0011719, OMIM 606764, HP:0100723.

Submission:

Labcorp Genetics (formerly Invitae), Labcorp
Classification: Uncertain significance for Gastrointestinal stromal tumor. Last evaluated: 2024-05-28. Review status: criteria provided, single submitter. Criteria: Invitae Variant Classification Sherloc (09022015). Collection method: clinical testing. Allele origin: germline.
Comment: This sequence change replaces aspartic acid, which is acidic and polar, with glycine, which is neutral and non-polar, at codon 284 of the KIT protein (p.Asp284Gly). This variant is not present in population databases (gnomAD no frequency). This variant has not been reported in the literature in individuals affected with KIT-related conditions. An algorithm developed to predict the effect of missense changes on protein structure and function (PolyPhen-2) suggests that this variant is likely to be disruptive. In summary, the available evidence is currently insufficient to determine the role of this variant in disease. Therefore, it has been classified as a Variant of Uncertain Significance.